The following is an entry in ClinVar:

NM_001378328.1(CELSR1):c.5665G>A (p.Asp1889Asn)

Gene: CELSR1 (cadherin EGF LAG seven-pass G-type receptor 1; minus strand). Cytogenetic location: 22q13.31.
Variant type: single nucleotide variant.
Coding change: c.5665G>A on transcript NM_001378328.1 (MANE Select); coding-DNA position 5665, G replaced by A.
Protein change: p.Asp1889Asn; replaces aspartic acid 1889 with asparagine.
Molecular consequence: missense variant.
Genome position (GRCh38, 1-based): chr22:46,397,710, C>T on the plus strand (G>A on the coding strand, the complement: CELSR1 is on the minus strand). VCF-style: chr22-46397710-C-T. GRCh37 (hg19) VCF-style: chr22-46793607-C-T.
Other names: c.5665G>A, p.Asp1889Asn (NM_014246.4); short protein forms D1889N.
Identifiers: ClinVar variation 4974669 (VCV004974669.1).

ClinVar aggregate classification (germline): Uncertain significance (1 of 4 stars; one submission).

Conditions:
Lymphatic malformation 9. Identifiers: MedGen C5543365, MONDO:0030270, OMIM 619319.

Submission:

Clinical Genomics Laboratory, Washington University in St. Louis
Classification: Uncertain significance for Lymphatic malformation 9. Last evaluated: 2025-10-14. Review status: criteria provided, single submitter. Criteria: ACMG Guidelines, 2015. Collection method: clinical testing. Allele origin: germline.
Comment: A CELSR1 c.5665G>A (p.Asp1889Asn) variant was identified at a near heterozygous allelic fraction of 47.5%, a frequency which may be consistent with it being of germline origin. This variant, to our knowledge, has not been reported in the medical literature or the ClinVar database. This variant is observed on 222/1,573,108 alleles in the general population (gnomAD v4.1.0). Computational predictors suggest that the variant does not impact CELSR1 function. Due to limited information, and based on ACMG/AMP guidelines for variant interpretation (Richards S et al., PMID: 25741868), the clinical significance of this variant is uncertain at this time.